The following is an entry in ClinVar:

NM_004817.4(TJP2):c.2021C>T (p.Ala674Val)

Gene: TJP2 (tight junction protein 2; plus strand). Cytogenetic location: 9q21.11.
Variant type: single nucleotide variant.
Coding change: c.2021C>T on transcript NM_004817.4 (MANE Select); coding-DNA position 2021, C replaced by T.
Protein change: p.Ala674Val; replaces alanine 674 with valine.
Molecular consequence: missense variant.
Genome position (GRCh38, 1-based): chr9:69,236,978, C>T. VCF-style: chr9-69236978-C-T. GRCh37 (hg19) VCF-style: chr9-71851894-C-T.
Other names: c.1952C>T, p.Ala651Val (NM_001170414.2, NM_001369871.1); c.2033C>T, p.Ala678Val (NM_001170415.1, NM_001369874.1, NM_001369875.1); c.2114C>T, p.Ala705Val (NM_001170416.2); c.1946C>T, p.Ala649Val (NM_001369870.1); c.2021C>T, p.Ala674Val (NM_001369872.1, NM_001369873.1, NM_201629.3); short protein forms A649V, A651V, A674V, A678V, A705V.
Identifiers: ClinVar variation 3897199 (VCV003897199.1).
Genomic context (GRCh38, chr9:69,236,978, plus strand): 5'-TAGAGATTTACTTCCCGTGGTTTCTTCTCAGAGCTGAACAAATGGCCAGTGTTCAAAATG[C>T]CCAGAGAGACAACGCTGGGGACCGGGCAGATTTCTGGAGAATGCGTGGCCAGAGGTCTGG-3'
Protein context (NP_004808.2, residues 664-684): RAEQMASVQN[Ala674Val]QRDNAGDRAD

ClinVar aggregate classification (germline): Uncertain significance (1 of 4 stars; one submission).

gnomAD v4.1: 24 of 1,614,032 alleles (0.0015%); highest among the groups gnomAD compares: Admixed American, 0.04%; no homozygotes.

Submission:

GeneDx
Classification: Uncertain significance. Last evaluated: 2024-11-01. Review status: criteria provided, single submitter. Criteria: GeneDx Variant Classification Process June 2021. Collection method: clinical testing. Allele origin: germline. Affected: yes.
Comment: In silico analysis indicates that this missense variant does not alter protein structure/function; Has not been previously published as pathogenic or benign to our knowledge